The following is an entry in ClinVar:

NM_000536.4(RAG2):c.974del (p.Gly325fs)

Gene: RAG2 (recombination activating 2; minus strand). Cytogenetic location: 11p12.
Variant type: Deletion.
Coding change: c.974del on transcript NM_000536.4 (MANE Select); coding-DNA position 974, one base deleted (G; older notation c.974delG).
Protein change: p.Gly325fs; shifts the reading frame from glycine 325.
Molecular consequence: frameshift variant.
Genome position (GRCh38, 1-based): chr11:36,593,195, C deleted on the plus strand (G on the coding strand, the reverse complement: RAG2 is on the minus strand); the first of 2 consecutive C bases (chr11:36,593,195-36,593,196); deleting either gives the same sequence. VCF-style (leftmost placement, unchanged base first): chr11-36593194-TC-T. GRCh37 (hg19) VCF-style: chr11-36614744-TC-T.
Other names: c.974del, p.Gly325fs (NM_001243785.2, NM_001243786.2); short protein forms G325fs.
Identifiers: ClinVar variation 4060669 (VCV004060669.2).
Genomic context (GRCh38, chr11:36,593,194, plus strand): 5'-GAAATAGAATCCTTCTGAAACAACTTGTTTATTGTCTCCTGGTATGCCAAGAAAAACAGT[TC>T]CATTTCCCATGTTGCTTCCAAACCATATCTTGCTGTGCTTAATGTCTGGGGTCCAATCTG-3'

ClinVar aggregate classification (germline): Likely pathogenic (1 of 4 stars; one submission).

Conditions:
Histiocytic medullary reticulosis. Also called: SEVERE COMBINED IMMUNODEFICIENCY WITH HYPEREOSINOPHILIA; Omenn syndrome. Identifiers: Orphanet 39041, MedGen C2700553, MONDO:0011338, OMIM 603554.

Submission:

Natera, Inc.
Classification: Likely pathogenic for Omenn syndrome. Last evaluated: 2025-05-26. Review status: criteria provided, single submitter. Criteria: Natera Variant Classification Schema (03/2026). Collection method: clinical testing. Allele origin: germline.
Comment: The c.974del variant in RAG2 is a frameshift variant predicted to shift the reading frame beginning at codon 325 and leads to a stop codon 24 codons downstream. This variant is expected to result in nonsense mediated decay, truncation, or a dysfunctional protein product. This variant is rare in the general population with a frequency below the threshold expected for the associated phenotype(s). Given the available evidence, this variant is classified as Likely Pathogenic.